The following is an entry in ClinVar:

ClinVar aggregate classification (germline): Benign/Likely benign. Review status: criteria provided, multiple submitters, no conflicts (2 of 4 stars). 8 submissions from 8 submitters: Benign (1); Likely benign (6). 1 of the submissions does not count toward it. Last evaluated 2026-03-01.

Conditions:
KMT2D-related disorder. Also called: KMT2D-Related Disorders.
Inborn genetic diseases. Identifiers: MedGen C0950123, MeSH D030342.
Kabuki syndrome. Also called: NIIKAWA-KUROKI SYNDROME; Kabuki make-up syndrome. Identifiers: Orphanet 2322, MedGen C0796004, MONDO:0016512.

Allele frequency attached by ClinVar (database versions not stated): gnomAD exomes 0.00038 and 0.00050; ESP Exome Variant Server 0.00042; ExAC 0.00047; gnomAD 0.00082 and 0.00085; TOPMed 0.00113; 1000 Genomes Project 0.00180; 1000 Genomes Project 30x 0.00203.
gnomAD v4.1: 695 of 1,595,174 alleles (0.044%); highest among the groups gnomAD compares: Admixed American, 0.26%; 2 homozygotes.

Submissions (8):

CeGaT Center for Human Genetics Tuebingen
Classification: Likely benign. Last evaluated: 2026-03-01. Review status: criteria provided, single submitter. Criteria: CeGaT Center For Human Genetics Tuebingen Variant Classification Criteria Version 2. Collection method: clinical testing. Allele origin: germline. Affected: yes. Observed: 2 variant alleles.
Comment: KMT2D: BS1

Labcorp Genetics (formerly Invitae), Labcorp
Classification: Likely benign for Kabuki syndrome. Last evaluated: 2026-01-22. Review status: criteria provided, single submitter. Criteria: Invitae Variant Classification Sherloc (09022015). Collection method: clinical testing. Allele origin: germline.

Blueprint Genetics
Classification: Likely benign. Last evaluated: 2024-10-25. Review status: criteria provided, single submitter. Criteria: ACMG Guidelines, 2015. Collection method: clinical testing. Allele origin: germline.

Ambry Genetics
Classification: Likely benign for Inborn genetic diseases. Last evaluated: 2024-03-12. Review status: criteria provided, single submitter. Criteria: Ambry Variant Classification Scheme 2023. Collection method: clinical testing. Allele origin: germline.

GeneDx
Classification: Benign. Last evaluated: 2021-03-05. Review status: criteria provided, single submitter. Criteria: GeneDx Variant Classification Process June 2021. Collection method: clinical testing. Allele origin: germline. Affected: yes.

Eurofins Ntd Llc (ga)
Classification: Likely benign. Last evaluated: 2015-06-17. Review status: criteria provided, single submitter. Criteria: EGL Classification Definitions 2015. Collection method: clinical testing. Allele origin: germline. Observed: 1 variant allele, 1 heterozygote.

Breakthrough Genomics
Classification: Likely benign. Review status: criteria provided, single submitter. Criteria: ACMG Guidelines, 2015. Collection method: not provided. Allele origin: germline. Inheritance: Autosomal dominant inheritance. Affected: yes.

PreventionGenetics, part of Exact Sciences
Classification: Likely benign for KMT2D-related condition. Last evaluated: 2021-08-23. Review status: no assertion criteria provided. Collection method: clinical testing. Allele origin: germline. Not counted in ClinVar's aggregate classification.
Comment: This variant is classified as likely benign based on ACMG/AMP sequence variant interpretation guidelines (Richards et al. 2015 PMID: 25741868, with internal and published modifications).

NM_003482.4(KMT2D):c.7478G>A (p.Gly2493Glu)

Gene: KMT2D (lysine methyltransferase 2D; minus strand). Cytogenetic location: 12q13.12.
Variant type: single nucleotide variant.
Coding change: c.7478G>A on transcript NM_003482.4 (MANE Select); coding-DNA position 7478, G replaced by A.
Protein change: p.Gly2493Glu; replaces glycine 2493 with glutamic acid.
Molecular consequence: missense variant.
Genome position (GRCh38, 1-based): chr12:49,040,292, C>T on the plus strand (G>A on the coding strand, the complement: KMT2D is on the minus strand). VCF-style: chr12-49040292-C-T. GRCh37 (hg19) VCF-style: chr12-49434075-C-T.
Other names: short protein forms G2493E.
Identifiers: ClinVar variation 281267 (VCV000281267.43), dbSNP rs833819, ClinGen allele CA6547058.